The following is an entry in ClinVar:

NM_181703.4(GJA5):c.823C>T (p.Pro275Ser)

Genes: GJA5 (gap junction protein alpha 5; minus strand), LOC122128420 (Sharpr-MPRA regulatory region 3144; plus strand). Cytogenetic location: 1q21.2.
Variant type: single nucleotide variant.
Coding change: c.823C>T on transcript NM_181703.4 (MANE Select); coding-DNA position 823, C replaced by T.
Protein change: p.Pro275Ser; replaces proline 275 with serine.
Molecular consequence: missense variant.
Genome position (GRCh38, 1-based): chr1:147,758,416, G>A on the plus strand (C>T on the coding strand, the complement: GJA5 is on the minus strand). VCF-style: chr1-147758416-G-A. GRCh37 (hg19) VCF-style: chr1-147230524-G-A.
Other names: c.823C>T, p.Pro275Ser (NM_005266.7); short protein forms P275S.
Identifiers: ClinVar variation 2953847 (VCV002953847.3), dbSNP rs782523810, ClinGen allele CA1065694.

ClinVar aggregate classification (germline): Uncertain significance (1 of 4 stars; one submission).

Conditions:
Atrial standstill 1 (ATRST1). Also called: Atrial standstill, digenic (GJA5/SCN5A); ATRIAL CARDIOMYOPATHY WITH HEART BLOCK; CARDIOMYOPATHY, FAMILIAL, WITH CONDUCTION DISTURBANCE. Identifiers: Orphanet 1344, MedGen C4551959, MONDO:0007171, OMIM 108770.
Atrial fibrillation, familial, 11 (ATFB11). Identifiers: MedGen C3279693, MONDO:0013544, OMIM 614049.

Allele frequency attached by ClinVar (database versions not stated): TOPMed below 0.00001; gnomAD 0.00001; gnomAD exomes 0.00001; ExAC 0.00002.
gnomAD v4.1: 10 of 1,613,970 alleles (0.00062%); highest among the groups gnomAD compares: East Asian, 0.02%; no homozygotes.

Submission:

Labcorp Genetics (formerly Invitae), Labcorp
Classification: Uncertain significance for Atrial fibrillation, familial, 11; Atrial standstill 1. Last evaluated: 2024-05-20. Review status: criteria provided, single submitter. Criteria: Invitae Variant Classification Sherloc (09022015). Collection method: clinical testing. Allele origin: germline.
Comment: This sequence change replaces proline, which is neutral and non-polar, with serine, which is neutral and polar, at codon 275 of the GJA5 protein (p.Pro275Ser). This variant is present in population databases (rs782523810, gnomAD 0.03%). This variant has not been reported in the literature in individuals affected with GJA5-related conditions. Advanced modeling of protein sequence and biophysical properties (such as structural, functional, and spatial information, amino acid conservation, physicochemical variation, residue mobility, and thermodynamic stability) performed at Invitae indicates that this missense variant is not expected to disrupt GJA5 protein function with a negative predictive value of 80%. In summary, the available evidence is currently insufficient to determine the role of this variant in disease. Therefore, it has been classified as a Variant of Uncertain Significance.